The following is an entry in ClinVar:

NM_001291303.3(FAT4):c.10690A>G (p.Thr3564Ala)

Gene: FAT4 (FAT atypical cadherin 4; plus strand). Cytogenetic location: 4q28.1.
Variant type: single nucleotide variant.
Coding change: c.10690A>G on transcript NM_001291303.3 (MANE Select); coding-DNA position 10690, A replaced by G.
Protein change: p.Thr3564Ala; replaces threonine 3564 with alanine.
Molecular consequence: missense variant.
Genome position (GRCh38, 1-based): chr4:125,451,700, A>G. VCF-style: chr4-125451700-A-G. GRCh37 (hg19) VCF-style: chr4-126372855-A-G.
Other names: c.10690A>G, p.Thr3564Ala (NM_001291285.3); c.10684A>G, p.Thr3562Ala (NM_024582.6); short protein forms T3562A, T3564A.
Identifiers: ClinVar variation 1304756 (VCV001304756.7), dbSNP rs778801952, ClinGen allele CA3073725.
Genomic context (GRCh38, chr4:125,451,700, plus strand): 5'-GGTCCCTTTACTTATTACTTGCTGAGCACAGGTCCTGCCACCAGTTATTTCAGTCTGAGC[A>G]CTGCTGGAGTTCTGAGCACAACCAGAGAGATTGACAGAGAGCAGATTGCAGACTTCTATC-3'
Protein context (NP_001278232.1, residues 3554-3574): GPATSYFSLS[Thr3564Ala]AGVLSTTREI

ClinVar aggregate classification (germline): Uncertain significance. Review status: criteria provided, multiple submitters, no conflicts (2 of 4 stars). 2 submissions from 2 submitters: Uncertain significance (2). Last evaluated 2023-12-18.

Allele frequency attached by ClinVar (database versions not stated): gnomAD 0.00001 and 0.00002; gnomAD exomes 0.00001 and 0.00002; ExAC 0.00002; TOPMed 0.00002.

Submissions (2):

Labcorp Genetics (formerly Invitae), Labcorp
Classification: Uncertain significance. Last evaluated: 2023-12-18. Review status: criteria provided, single submitter. Criteria: Invitae Variant Classification Sherloc (09022015). Collection method: clinical testing. Allele origin: germline.
Comment: This sequence change replaces threonine, which is neutral and polar, with alanine, which is neutral and non-polar, at codon 3562 of the FAT4 protein (p.Thr3562Ala). This variant is present in population databases (rs778801952, gnomAD 0.01%). This variant has not been reported in the literature in individuals affected with FAT4-related conditions. ClinVar contains an entry for this variant (Variation ID: 1304756). Advanced modeling of protein sequence and biophysical properties (such as structural, functional, and spatial information, amino acid conservation, physicochemical variation, residue mobility, and thermodynamic stability) performed at Invitae indicates that this missense variant is not expected to disrupt FAT4 protein function with a negative predictive value of 95%. In summary, the available evidence is currently insufficient to determine the role of this variant in disease. Therefore, it has been classified as a Variant of Uncertain Significance.

GeneDx
Classification: Uncertain significance. Last evaluated: 2022-05-31. Review status: criteria provided, single submitter. Criteria: GeneDx Variant Classification Process June 2021. Collection method: clinical testing. Allele origin: germline. Affected: yes.
Comment: Not observed at a significant frequency in large population cohorts (gnomAD); In silico analysis supports that this missense variant does not alter protein structure/function; Has not been previously published as pathogenic or benign to our knowledge